The following continues an entry in ClinVar:

NM_000113.3(TOR1A):c.749-11C>A

Gene: TOR1A. ClinVar aggregate classification (germline): Benign/Likely benign. Benign (5); Likely benign (1).

Submissions 32 to 68 of 82:

Dr. Peter K. Rogan Lab, Western University
No classification provided (evidence only). Condition: Sarcoma. Review status: no classification provided. Collection method: in vitro. Allele origin: not applicable. Functional consequence: retained intron. Not counted in ClinVar's aggregate classification.

Dr. Peter K. Rogan Lab, Western University
No classification provided (evidence only). Condition: Sarcoma. Review status: no classification provided. Collection method: in vitro. Allele origin: not applicable. Functional consequence: retained intron. Not counted in ClinVar's aggregate classification.

Dr. Peter K. Rogan Lab, Western University
No classification provided (evidence only). Condition: Sarcoma. Review status: no classification provided. Collection method: in vitro. Allele origin: not applicable. Functional consequence: retained intron. Not counted in ClinVar's aggregate classification.

Dr. Peter K. Rogan Lab, Western University
No classification provided (evidence only). Condition: Sarcoma. Review status: no classification provided. Collection method: in vitro. Allele origin: not applicable. Functional consequence: retained intron. Not counted in ClinVar's aggregate classification.

Dr. Peter K. Rogan Lab, Western University
No classification provided (evidence only). Condition: Sarcoma. Review status: no classification provided. Collection method: in vitro. Allele origin: not applicable. Functional consequence: retained intron. Not counted in ClinVar's aggregate classification.

Dr. Peter K. Rogan Lab, Western University
No classification provided (evidence only). Condition: Sarcoma. Review status: no classification provided. Collection method: in vitro. Allele origin: not applicable. Functional consequence: retained intron. Not counted in ClinVar's aggregate classification.

Dr. Peter K. Rogan Lab, Western University
No classification provided (evidence only). Condition: Sarcoma. Review status: no classification provided. Collection method: in vitro. Allele origin: not applicable. Functional consequence: retained intron. Not counted in ClinVar's aggregate classification.

Dr. Peter K. Rogan Lab, Western University
No classification provided (evidence only). Condition: Sarcoma. Review status: no classification provided. Collection method: in vitro. Allele origin: not applicable. Functional consequence: retained intron. Not counted in ClinVar's aggregate classification.

Dr. Peter K. Rogan Lab, Western University
No classification provided (evidence only). Condition: Sarcoma. Review status: no classification provided. Collection method: in vitro. Allele origin: not applicable. Functional consequence: retained intron. Not counted in ClinVar's aggregate classification.

Dr. Peter K. Rogan Lab, Western University
No classification provided (evidence only). Condition: Sarcoma. Review status: no classification provided. Collection method: in vitro. Allele origin: not applicable. Functional consequence: retained intron. Not counted in ClinVar's aggregate classification.

Dr. Peter K. Rogan Lab, Western University
No classification provided (evidence only). Condition: Sarcoma. Review status: no classification provided. Collection method: in vitro. Allele origin: not applicable. Functional consequence: retained intron. Not counted in ClinVar's aggregate classification.

Dr. Peter K. Rogan Lab, Western University
No classification provided (evidence only). Condition: Sarcoma. Review status: no classification provided. Collection method: in vitro. Allele origin: not applicable. Functional consequence: retained intron. Not counted in ClinVar's aggregate classification.

Dr. Peter K. Rogan Lab, Western University
No classification provided (evidence only). Condition: Sarcoma. Review status: no classification provided. Collection method: in vitro. Allele origin: not applicable. Functional consequence: retained intron. Not counted in ClinVar's aggregate classification.

Dr. Peter K. Rogan Lab, Western University
No classification provided (evidence only). Condition: Thymoma. Review status: no classification provided. Collection method: in vitro. Allele origin: not applicable. Functional consequence: retained intron. Not counted in ClinVar's aggregate classification.

Dr. Peter K. Rogan Lab, Western University
No classification provided (evidence only). Condition: Thymoma. Review status: no classification provided. Collection method: in vitro. Allele origin: not applicable. Functional consequence: retained intron. Not counted in ClinVar's aggregate classification.

Dr. Peter K. Rogan Lab, Western University
No classification provided (evidence only). Condition: Thymoma. Review status: no classification provided. Collection method: in vitro. Allele origin: not applicable. Functional consequence: retained intron. Not counted in ClinVar's aggregate classification.

Dr. Peter K. Rogan Lab, Western University
No classification provided (evidence only). Condition: Thymoma. Review status: no classification provided. Collection method: in vitro. Allele origin: not applicable. Functional consequence: retained intron. Not counted in ClinVar's aggregate classification.

Dr. Peter K. Rogan Lab, Western University
No classification provided (evidence only). Condition: Thymoma. Review status: no classification provided. Collection method: in vitro. Allele origin: not applicable. Functional consequence: retained intron. Not counted in ClinVar's aggregate classification.

Dr. Peter K. Rogan Lab, Western University
No classification provided (evidence only). Condition: Thymoma. Review status: no classification provided. Collection method: in vitro. Allele origin: not applicable. Functional consequence: retained intron. Not counted in ClinVar's aggregate classification.

Dr. Peter K. Rogan Lab, Western University
No classification provided (evidence only). Condition: Thymoma. Review status: no classification provided. Collection method: in vitro. Allele origin: not applicable. Functional consequence: retained intron. Not counted in ClinVar's aggregate classification.

Dr. Peter K. Rogan Lab, Western University
No classification provided (evidence only). Condition: Thymoma. Review status: no classification provided. Collection method: in vitro. Allele origin: not applicable. Functional consequence: retained intron. Not counted in ClinVar's aggregate classification.

Dr. Peter K. Rogan Lab, Western University
No classification provided (evidence only). Condition: Ovarian serous cystadenocarcinoma. Review status: no classification provided. Collection method: in vitro. Allele origin: not applicable. Functional consequence: retained intron. Not counted in ClinVar's aggregate classification.

Dr. Peter K. Rogan Lab, Western University
No classification provided (evidence only). Condition: Ovarian serous cystadenocarcinoma. Review status: no classification provided. Collection method: in vitro. Allele origin: not applicable. Functional consequence: retained intron. Not counted in ClinVar's aggregate classification.

Dr. Peter K. Rogan Lab, Western University
No classification provided (evidence only). Condition: Ovarian serous cystadenocarcinoma. Review status: no classification provided. Collection method: in vitro. Allele origin: not applicable. Functional consequence: retained intron. Not counted in ClinVar's aggregate classification.

Dr. Peter K. Rogan Lab, Western University
No classification provided (evidence only). Condition: Ovarian serous cystadenocarcinoma. Review status: no classification provided. Collection method: in vitro. Allele origin: not applicable. Functional consequence: retained intron. Not counted in ClinVar's aggregate classification.

Dr. Peter K. Rogan Lab, Western University
No classification provided (evidence only). Condition: Ovarian serous cystadenocarcinoma. Review status: no classification provided. Collection method: in vitro. Allele origin: not applicable. Functional consequence: retained intron. Not counted in ClinVar's aggregate classification.

Dr. Peter K. Rogan Lab, Western University
No classification provided (evidence only). Condition: Ovarian serous cystadenocarcinoma. Review status: no classification provided. Collection method: in vitro. Allele origin: not applicable. Functional consequence: retained intron. Not counted in ClinVar's aggregate classification.

Dr. Peter K. Rogan Lab, Western University
No classification provided (evidence only). Condition: Ovarian serous cystadenocarcinoma. Review status: no classification provided. Collection method: in vitro. Allele origin: not applicable. Functional consequence: retained intron. Not counted in ClinVar's aggregate classification.

Dr. Peter K. Rogan Lab, Western University
No classification provided (evidence only). Condition: Ovarian serous cystadenocarcinoma. Review status: no classification provided. Collection method: in vitro. Allele origin: not applicable. Functional consequence: retained intron. Not counted in ClinVar's aggregate classification.

Dr. Peter K. Rogan Lab, Western University
No classification provided (evidence only). Condition: Ovarian serous cystadenocarcinoma. Review status: no classification provided. Collection method: in vitro. Allele origin: not applicable. Functional consequence: retained intron. Not counted in ClinVar's aggregate classification.

Dr. Peter K. Rogan Lab, Western University
No classification provided (evidence only). Condition: Ovarian serous cystadenocarcinoma. Review status: no classification provided. Collection method: in vitro. Allele origin: not applicable. Functional consequence: retained intron. Not counted in ClinVar's aggregate classification.

Dr. Peter K. Rogan Lab, Western University
No classification provided (evidence only). Condition: Gastric cancer. Review status: no classification provided. Collection method: in vitro. Allele origin: not applicable. Functional consequence: retained intron. Not counted in ClinVar's aggregate classification.

Dr. Peter K. Rogan Lab, Western University
No classification provided (evidence only). Condition: Gastric cancer. Review status: no classification provided. Collection method: in vitro. Allele origin: not applicable. Functional consequence: retained intron. Not counted in ClinVar's aggregate classification.

Dr. Peter K. Rogan Lab, Western University
No classification provided (evidence only). Condition: Gastric cancer. Review status: no classification provided. Collection method: in vitro. Allele origin: not applicable. Functional consequence: retained intron. Not counted in ClinVar's aggregate classification.

Dr. Peter K. Rogan Lab, Western University
No classification provided (evidence only). Condition: Gastric cancer. Review status: no classification provided. Collection method: in vitro. Allele origin: not applicable. Functional consequence: retained intron. Not counted in ClinVar's aggregate classification.

Dr. Peter K. Rogan Lab, Western University
No classification provided (evidence only). Condition: Gastric cancer. Review status: no classification provided. Collection method: in vitro. Allele origin: not applicable. Functional consequence: retained intron. Not counted in ClinVar's aggregate classification.

Dr. Peter K. Rogan Lab, Western University
No classification provided (evidence only). Condition: Uterine carcinosarcoma. Review status: no classification provided. Collection method: in vitro. Allele origin: not applicable. Functional consequence: retained intron. Not counted in ClinVar's aggregate classification.